The following is an entry in ClinVar:

ClinVar aggregate classification (germline): Pathogenic (1 of 4 stars; one submission).

Conditions:
Joubert syndrome. Also called: CEREBELLOPARENCHYMAL DISORDER IV; JOUBERT-BOLTSHAUSER SYNDROME; Familial aplasia of the vermis. Identifiers: Orphanet 475, MedGen C5979921, MONDO:0018772.
Nephronophthisis. Also called: Juvenile Nephronophthisis. Identifiers: Orphanet 655, MedGen C0687120, MONDO:0019005, HP:0000090.
Meckel-Gruber syndrome. Also called: DYSENCEPHALIA SPLANCHNOCYSTICA; GRUBER SYNDROME; Dysencephalia splachnocystica. Identifiers: Orphanet 564, MedGen C0265215, MONDO:0018921.

Submission:

Labcorp Genetics (formerly Invitae), Labcorp
Classification: Pathogenic for Joubert syndrome; Meckel-Gruber syndrome; Nephronophthisis. Last evaluated: 2023-07-07. Review status: criteria provided, single submitter. Criteria: Invitae Variant Classification Sherloc (09022015). Collection method: clinical testing. Allele origin: germline.
Comment: For these reasons, this variant has been classified as Pathogenic. Algorithms developed to predict the effect of sequence changes on RNA splicing suggest that this variant may disrupt the consensus splice site. This variant has not been reported in the literature in individuals affected with CEP290-related conditions. This variant is not present in population databases (gnomAD no frequency). This sequence change creates a premature translational stop signal (p.Lys916*) in the CEP290 gene. It is expected to result in an absent or disrupted protein product. Loss-of-function variants in CEP290 are known to be pathogenic (PMID: 16909394, 17345604, 20690115).

Literature cited by the submitters: PubMed 16909394; PubMed 17345604; PubMed 20690115.

NM_025114.4(CEP290):c.2746A>T (p.Lys916Ter)

Gene: CEP290 (centrosomal protein 290; minus strand). Cytogenetic location: 12q21.32.
Variant type: single nucleotide variant.
Coding change: c.2746A>T on transcript NM_025114.4 (MANE Select); coding-DNA position 2746, A replaced by T.
Protein change: p.Lys916Ter; replaces lysine 916 with a stop codon.
Molecular consequence: nonsense.
Genome position (GRCh38, 1-based): chr12:88,106,746, T>A on the plus strand (A>T on the coding strand, the complement: CEP290 is on the minus strand). VCF-style: chr12-88106746-T-A. GRCh37 (hg19) VCF-style: chr12-88500523-T-A.
Other names: short protein forms K916*.
Identifiers: ClinVar variation 2949621 (VCV002949621.3), dbSNP rs2500615773, ClinGen allele CA385970942.